The following is an entry in ClinVar:

NM_001243133.2(NLRP3):c.2576A>G (p.Tyr859Cys)

Gene: NLRP3 (NLR family pyrin domain containing 3; plus strand). Cytogenetic location: 1q44.
Variant type: single nucleotide variant.
Coding change: c.2576A>G on transcript NM_001243133.2 (MANE Select); coding-DNA position 2576, A replaced by G.
Protein change: p.Tyr859Cys; replaces tyrosine 859 with cysteine.
Molecular consequence: missense variant. On other transcripts: intron variant (2).
Genome position (GRCh38, 1-based): chr1:247,436,053, A>G. VCF-style: chr1-247436053-A-G. GRCh37 (hg19) VCF-style: chr1-247599355-A-G.
Other names: p.Tyr859Cys; c.2576A>G, p.Tyr859Cys (NM_001079821.3); c.2405A>G, p.Tyr802Cys (NM_001127462.3); c.2582A>G, p.Tyr861Cys (NM_004895.5); c.2492+1780A>G (NM_001127461.3); c.2321+1780A>G (NM_183395.3); short protein forms Y861C, Y859C, Y802C.
Identifiers: ClinVar variation 97960 (VCV000097960.5), dbSNP rs180177452, ClinGen allele CA281318.

ClinVar aggregate classification (germline): Pathogenic/Likely pathogenic. Review status: criteria provided, multiple submitters, no conflicts (2 of 4 stars). 4 submissions from 4 submitters: Pathogenic (2); Likely pathogenic (1). 1 of the submissions does not count toward it. Last evaluated 2024-09-25.

Conditions:
Chronic infantile neurological, cutaneous and articular syndrome (CINCA). Also called: CHRONIC NEUROLOGIC CUTANEOUS AND ARTICULAR SYNDROME; CINCA syndrome; Prieur Griscelli syndrome; CRYOPYRIN-ASSOCIATED PERIODIC SYNDROME 3. Identifiers: Orphanet 1451, MedGen C0409818, MONDO:0011776, OMIM 607115.
Familial amyloid nephropathy with urticaria AND deafness (MWS). Also called: UDA SYNDROME; URTICARIA-DEAFNESS-AMYLOIDOSIS SYNDROME; MUCKLE-WELLS SYNDROME; Urticaria, deafness and amyloidosis; CRYOPYRIN-ASSOCIATED PERIODIC SYNDROME 2. Identifiers: Orphanet 575, MedGen C0268390, MONDO:0008633, OMIM 191900.
Hearing loss, autosomal dominant 34, with or without inflammation. Also called: DEAFNESS, AUTOSOMAL DOMINANT 34, WITH OR WITHOUT INFLAMMATION. Identifiers: MedGen C4521680, MONDO:0033261, OMIM 617772.
Familial cold autoinflammatory syndrome 1 (FCAS1). Also called: CRYOPYRIN-ASSOCIATED PERIODIC SYNDROME 1; Familial cold inflammatory syndrome 1. Identifiers: Orphanet 47045, MedGen C4551895, MONDO:0007349, OMIM 120100.
Keratitis fugax hereditaria. Also called: KERATOENDOTHELIITIS FUGAX HEREDITARIA. Identifiers: Orphanet 647815, MedGen C1835697, MONDO:0007849, OMIM 148200.

Submissions (4):

Institute of Medical Genetics and Applied Genomics, University Hospital Tübingen
Classification: Pathogenic for Familial amyloid nephropathy with urticaria AND deafness. Last evaluated: 2024-09-25. Review status: criteria provided, single submitter. Criteria: ACMG Guidelines, 2015. Collection method: clinical testing. Allele origin: germline. Inheritance: Autosomal dominant inheritance. Affected: yes.

Molecular Genetics and NGS Laboratory, Hospital Fundacion Valle Del Lili
Classification: Likely pathogenic for Chronic infantile neurological, cutaneous and articular syndrome; Hearing loss, autosomal dominant 34, with or without inflammation; Familial cold autoinflammatory syndrome 1; Keratitis fugax hereditaria; Familial amyloid nephropathy with urticaria AND deafness. Last evaluated: 2023-11-03. Review status: criteria provided, single submitter. Criteria: ACMG Guidelines, 2015. Collection method: clinical testing. Allele origin: germline. Affected: yes. Observed: 1 variant allele.

GeneDx
Classification: Pathogenic. Last evaluated: 2019-01-09. Review status: criteria provided, single submitter. Criteria: GeneDx Variant Classification (06012015). Collection method: clinical testing. Allele origin: germline. Affected: yes.
Comment: The Y861C variant in the NLRP3 gene has been reported previously, as Y859C, in association with cryopyrin-related disorders, including an apparently de novo occurrence (Frenkel et al., 2004; Jeru et al., 2010). The variant is not observed in large population cohorts (Lek et al., 2016). Y861C is a non-conservative amino acid substitution, which is likely to impact secondary protein structure as these residues differ in polarity, charge, size and/or other properties. Functional studies have shown that Y861C causes a gain-of-function effect leading to altered inflammatory responses (Jeru et al., 2010; Kubota et al., 2013). We interpret this variant as pathogenic.

Unité médicale des maladies autoinflammatoires, CHRU Montpellier
No classification provided. Condition: Familial cold urticaria. Review status: no classification provided. Collection method: not provided. Allele origin: unknown. Not counted in ClinVar's aggregate classification.
Comment: also involved in OMIM 191900 and 607115